The following is an entry in ClinVar:

NM_006744.4(RBP4):c.387C>T (p.Tyr129=)

Gene: RBP4 (retinol binding protein 4; minus strand). Cytogenetic location: 10q23.33.
Variant type: single nucleotide variant.
Coding change: c.387C>T on transcript NM_006744.4 (MANE Select); coding-DNA position 387, C replaced by T.
Protein change: p.Tyr129=; no amino-acid change (tyrosine 129 retained).
Molecular consequence: synonymous variant.
Genome position (GRCh38, 1-based): chr10:93,594,004, G>A on the plus strand (C>T on the coding strand, the complement: RBP4 is on the minus strand). VCF-style: chr10-93594004-G-A. GRCh37 (hg19) VCF-style: chr10-95353761-G-A.
Other names: c.387C>T, p.Tyr129= (NM_001323517.1); c.381C>T, p.Tyr127= (NM_001323518.2).
Identifiers: ClinVar variation 1666136 (VCV001666136.32), dbSNP rs373070201, ClinGen allele CA5609567.

ClinVar aggregate classification (germline): Likely benign. Review status: criteria provided, multiple submitters, no conflicts (2 of 4 stars). 2 submissions from 2 submitters: Likely benign (2). Last evaluated 2025-05-05.

Allele frequency attached by ClinVar (database versions not stated): gnomAD exomes 0.00003 and 0.00005; gnomAD 0.00004 and 0.00005; TOPMed 0.00004; ExAC 0.00007; ESP Exome Variant Server 0.00008.
gnomAD v4.1: 48 of 1,613,764 alleles (0.003%); highest among the groups gnomAD compares: Middle Eastern, 0.05%; no homozygotes.

Submissions (2):

Labcorp Genetics (formerly Invitae), Labcorp
Classification: Likely benign. Last evaluated: 2025-05-05. Review status: criteria provided, single submitter. Criteria: Invitae Variant Classification Sherloc (09022015). Collection method: clinical testing. Allele origin: germline.

CeGaT Center for Human Genetics Tuebingen
Classification: Likely benign. Last evaluated: 2022-10-01. Review status: criteria provided, single submitter. Criteria: CeGaT Center For Human Genetics Tuebingen Variant Classification Criteria Version 2. Collection method: clinical testing. Allele origin: germline. Affected: yes. Observed: 1 variant allele.
Comment: RBP4: BP4, BP7